The following is an entry in ClinVar:

ClinVar aggregate classification (germline): Uncertain significance. Review status: criteria provided, multiple submitters, no conflicts (2 of 4 stars). 2 submissions from 2 submitters: Uncertain significance (2). Last evaluated 2020-02-04.

Allele frequency attached by ClinVar (database versions not stated): gnomAD exomes below 0.00001.
gnomAD v4.1: 1 of 1,572,588 alleles (0.000064%); highest among the groups gnomAD compares: Non-Finnish European, 0.000087%; no homozygotes.

Submissions (2):

Revvity Omics, Revvity
Classification: Uncertain significance. Last evaluated: 2020-02-04. Review status: criteria provided, single submitter. Criteria: ACMG Guidelines, 2015. Collection method: clinical testing. Allele origin: germline.

GeneDx
Classification: Uncertain significance. Last evaluated: 2019-08-16. Review status: criteria provided, single submitter. Criteria: GeneDx Variant Classification Process June 2021. Collection method: clinical testing. Allele origin: germline. Affected: yes.
Comment: Has not been previously published as pathogenic or benign to our knowledge; No data available from control populations to assess the frequency of this variant; Missense variant in a gene in which most reported pathogenic variants are truncating/loss-of-function; In silico analysis, which includes splice predictors and evolutionary conservation, supports that this variant does not alter protein structure/function; Not located in the A-band nor the M-line region of titin, where the majority of pathogenic truncating variants have been reported

NM_001267550.2(TTN):c.34706G>C (p.Arg11569Thr)

Gene: TTN (titin; minus strand). Cytogenetic location: 2q31.2.
Variant type: single nucleotide variant.
Coding change: c.34706G>C on transcript NM_001267550.2 (MANE Select); coding-DNA position 34706, G replaced by C.
Protein change: p.Arg11569Thr; replaces arginine 11569 with threonine.
Molecular consequence: missense variant. On other transcripts: intron variant (3).
Genome position (GRCh38, 1-based): chr2:178,674,316, C>G on the plus strand (G>C on the coding strand, the complement: TTN is on the minus strand). VCF-style: chr2-178674316-C-G. GRCh37 (hg19) VCF-style: chr2-179539043-C-G.
Other names: c.33584G>C, p.Arg11195Thr (NM_001256850.1); c.30803G>C, p.Arg10268Thr (NM_133378.4); c.13283-31999G>C (NM_003319.4); c.13859-31999G>C (NM_133437.4); c.13658-31999G>C (NM_133432.3); short protein forms R10268T, R11195T, R11569T.
Identifiers: ClinVar variation 1307907 (VCV001307907.4), dbSNP rs751561118, ClinGen allele CA1998007.
Genomic context (GRCh38, chr2:178,674,316, plus strand): 5'-TGAGAAAGATTTGGAACACCAGGAATTTTAAATGTTCAATCCTTAAAAGCGGTTATACCT[C>G]TAGGTGGTGCCACCTCTTCAACTTCCTCTATGCTAGGTGGTTCTTCTGGGATTTCTTCTT-3'
Protein context (NP_001254479.2, residues 11559-11579): IEEVEEVAPP[Arg11569Thr]VPEVIKKAVP